The following is an entry in ClinVar:

ClinVar aggregate classification (germline): Uncertain significance (0 of 4 stars; one submission).

Conditions:
ALMS1-related disorder. Also called: ALMS1-related condition.

Submission:

PreventionGenetics, part of Exact Sciences
Classification: Uncertain significance for ALMS1-related condition. Last evaluated: 2024-03-15. Review status: no assertion criteria provided. Collection method: clinical testing. Allele origin: germline.
Comment: The ALMS1 c.6091G>A variant is predicted to result in the amino acid substitution p.Gly2031Arg. To our knowledge, this variant has not been reported in the literature or in a large population database, indicating this variant is rare. At this time, the clinical significance of this variant is uncertain due to the absence of conclusive functional and genetic evidence.

NM_001378454.1(ALMS1):c.6088G>A (p.Val2030Met)

Gene: ALMS1 (ALMS1 centrosome and basal body associated protein; plus strand). Cytogenetic location: 2p13.1.
Variant type: single nucleotide variant.
Coding change: c.6088G>A on transcript NM_001378454.1 (MANE Select); coding-DNA position 6088, G replaced by A.
Protein change: p.Val2030Met; replaces valine 2030 with methionine.
Molecular consequence: missense variant.
Genome position (GRCh38, 1-based): chr2:73,452,615, G>A. VCF-style: chr2-73452615-G-A. GRCh37 (hg19) VCF-style: chr2-73679742-G-A.
Other names: c.6091G>A, p.Val2031Met (NM_015120.4); short protein forms V2030M, V2031M.
Identifiers: ClinVar variation 3348519 (VCV003348519.1).